The following is an entry in ClinVar:

ClinVar aggregate classification (germline): Likely benign. Review status: criteria provided, multiple submitters, no conflicts (2 of 4 stars). 3 submissions from 3 submitters: Likely benign (2). 1 of the submissions does not count toward it. Last evaluated 2024-07-09.

Conditions:
FLCN-related disorder. Also called: FLCN-related condition.
Birt-Hogg-Dube syndrome. Also called: Birt Hogg Dubé syndrome. Identifiers: Orphanet 122, MedGen C0346010, MONDO:0800444.
Hereditary cancer-predisposing syndrome. Also called: Tumor predisposition; Hereditary Cancer Syndrome; Hereditary neoplastic syndrome; Neoplastic Syndromes, Hereditary. Identifiers: Orphanet 140162, MedGen C0027672, MeSH D009386, MONDO:0015356.

Allele frequency attached by ClinVar (database versions not stated): gnomAD exomes below 0.00001.
gnomAD v4.1: 3 of 1,614,138 alleles (0.00019%); highest among the groups gnomAD compares: Non-Finnish European, 0.00025%; no homozygotes.

Submissions (3):

Labcorp Genetics (formerly Invitae), Labcorp
Classification: Likely benign for Birt-Hogg-Dube syndrome. Last evaluated: 2024-07-09. Review status: criteria provided, single submitter. Criteria: Invitae Variant Classification Sherloc (09022015). Collection method: clinical testing. Allele origin: germline.

Ambry Genetics
Classification: Likely benign for Hereditary cancer-predisposing syndrome. Last evaluated: 2014-07-04. Review status: criteria provided, single submitter. Criteria: Ambry Variant Classification Scheme 2023. Collection method: clinical testing. Allele origin: germline.

PreventionGenetics, part of Exact Sciences
Classification: Likely benign for FLCN-related condition. Last evaluated: 2024-05-25. Review status: no assertion criteria provided. Collection method: clinical testing. Allele origin: germline. Not counted in ClinVar's aggregate classification.
Comment: This variant is classified as likely benign based on ACMG/AMP sequence variant interpretation guidelines (Richards et al. 2015 PMID: 25741868, with internal and published modifications).

NM_144997.7(FLCN):c.1107C>T (p.Leu369=)

Gene: FLCN (folliculin; minus strand). Cytogenetic location: 17p11.2.
Variant type: single nucleotide variant.
Coding change: c.1107C>T on transcript NM_144997.7 (MANE Select); coding-DNA position 1107, C replaced by T.
Protein change: p.Leu369=; no amino-acid change (leucine 369 retained).
Molecular consequence: synonymous variant.
Genome position (GRCh38, 1-based): chr17:17,217,138, G>A on the plus strand (C>T on the coding strand, the complement: FLCN is on the minus strand). VCF-style: chr17-17217138-G-A. GRCh37 (hg19) VCF-style: chr17-17120452-G-A.
Other names: c.1107C>T (LRG_325t1); c.1161C>T, p.Leu387= (NM_001353229.2); c.1107C>T, p.Leu369= (NM_001353230.2, NM_001353231.2).
Identifiers: ClinVar variation 185442 (VCV000185442.9), dbSNP rs786202175, ClinGen allele CA191965.